The following is an entry in ClinVar:

NM_006348.5(COG5):c.29T>A (p.Val10Glu)

Gene: COG5 (component of oligomeric golgi complex 5; minus strand). Cytogenetic location: 7q22.3.
Variant type: single nucleotide variant.
Coding change: c.29T>A on transcript NM_006348.5 (MANE Select); coding-DNA position 29, T replaced by A.
Protein change: p.Val10Glu; replaces valine 10 with glutamic acid.
Molecular consequence: missense variant.
Genome position (GRCh38, 1-based): chr7:107,563,868, A>T on the plus strand (T>A on the coding strand, the complement: COG5 is on the minus strand). VCF-style: chr7-107563868-A-T. GRCh37 (hg19) VCF-style: chr7-107204313-A-T.
Other names: c.29T>A, p.Val10Glu (NM_001161520.2, NM_001379511.1, NM_001379512.1 and 5 more transcripts); short protein forms V10E.
Identifiers: ClinVar variation 1713404 (VCV001713404.5), dbSNP rs775492822, ClinGen allele CA368826369.

ClinVar aggregate classification (germline): Uncertain significance (1 of 4 stars; one submission).

Conditions:
COG5-congenital disorder of glycosylation. Also called: CONGENITAL DISORDER OF GLYCOSYLATION, TYPE IIi; CDG IIi; COG5-CDG. Identifiers: Orphanet 263487, MedGen C3150876, MONDO:0013325, OMIM 613612.

Submission:

Labcorp Genetics (formerly Invitae), Labcorp
Classification: Uncertain significance for COG5-congenital disorder of glycosylation. Last evaluated: 2022-07-23. Review status: criteria provided, single submitter. Criteria: Invitae Variant Classification Sherloc (09022015). Collection method: clinical testing. Allele origin: germline.
Comment: This sequence change replaces valine, which is neutral and non-polar, with glutamic acid, which is acidic and polar, at codon 41 of the COG5 protein (p.Val41Glu). This variant is not present in population databases (gnomAD no frequency). This variant has not been reported in the literature in individuals affected with COG5-related conditions. Algorithms developed to predict the effect of missense changes on protein structure and function are either unavailable or do not agree on the potential impact of this missense change (SIFT: "Deleterious"; PolyPhen-2: "Benign"; Align-GVGD: "Class C0"). In summary, the available evidence is currently insufficient to determine the role of this variant in disease. Therefore, it has been classified as a Variant of Uncertain Significance.